The following is an entry in ClinVar:

NM_203447.4(DOCK8):c.1076G>C (p.Gly359Ala)

Gene: DOCK8 (dedicator of cytokinesis 8; plus strand). Cytogenetic location: 9p24.3.
Variant type: single nucleotide variant.
Coding change: c.1076G>C on transcript NM_203447.4 (MANE Select); coding-DNA position 1076, G replaced by C.
Protein change: p.Gly359Ala; replaces glycine 359 with alanine.
Molecular consequence: missense variant.
Genome position (GRCh38, 1-based): chr9:332,429, G>C. VCF-style: chr9-332429-G-C. GRCh37 (hg19) VCF-style: chr9-332429-G-C.
Other names: c.872G>C, p.Gly291Ala (NM_001190458.2, NM_001193536.2); short protein forms G359A, G291A.
Identifiers: ClinVar variation 1441407 (VCV001441407.8), dbSNP rs1427585904, ClinGen allele CA372752123.

ClinVar aggregate classification (germline): Uncertain significance (1 of 4 stars; one submission).

Conditions:
Combined immunodeficiency due to DOCK8 deficiency (HIES2). Also called: HYPER-IgE SYNDROME 2, AUTOSOMAL RECESSIVE, WITH RECURRENT INFECTIONS; HIES autosomal recessive; DOCK8 Deficiency; HYPER-IgE RECURRENT INFECTION SYNDROME 2, AUTOSOMAL RECESSIVE; Hyper-IgE recurrent infection syndrome, autosomal recessive. Identifiers: Orphanet 217390, MedGen C4722305, MONDO:0009478, OMIM 243700.

gnomAD v4.1: 18 of 1,613,292 alleles (0.0011%); highest among the groups gnomAD compares: Non-Finnish European, 0.0015%; no homozygotes.

Submission:

Labcorp Genetics (formerly Invitae), Labcorp
Classification: Uncertain significance for Combined immunodeficiency due to DOCK8 deficiency. Last evaluated: 2022-07-19. Review status: criteria provided, single submitter. Criteria: Invitae Variant Classification Sherloc (09022015). Collection method: clinical testing. Allele origin: germline.
Comment: This sequence change replaces glycine, which is neutral and non-polar, with alanine, which is neutral and non-polar, at codon 359 of the DOCK8 protein (p.Gly359Ala). This variant is present in population databases (no rsID available, gnomAD 0.0009%). This variant has not been reported in the literature in individuals affected with DOCK8-related conditions. ClinVar contains an entry for this variant (Variation ID: 1441407). Algorithms developed to predict the effect of missense changes on protein structure and function output the following: SIFT: "Tolerated"; PolyPhen-2: "Benign"; Align-GVGD: "Class C0". The alanine amino acid residue is found in multiple mammalian species, which suggests that this missense change does not adversely affect protein function. In summary, the available evidence is currently insufficient to determine the role of this variant in disease. Therefore, it has been classified as a Variant of Uncertain Significance.